The following is an entry in ClinVar:

NM_001042432.2(CLN3):c.1A>C (p.Met1Leu)

Gene: CLN3 (CLN3 lysosomal/endosomal transmembrane protein, battenin; minus strand). Cytogenetic location: 16p12.1.
Variant type: single nucleotide variant.
Coding change: c.1A>C on transcript NM_001042432.2 (MANE Select); coding-DNA position 1, A replaced by C.
Protein change: p.Met1Leu; changes the start codon (methionine 1).
Molecular consequence: missense variant, initiator codon variant. On other transcripts: 5 prime UTR variant (3).
Genome position (GRCh38, 1-based): chr16:28,491,759, T>G on the plus strand (A>C on the coding strand, the complement: CLN3 is on the minus strand). VCF-style: chr16-28491759-T-G. GRCh37 (hg19) VCF-style: chr16-28503080-T-G.
Other names: c.1A>C, p.Met1Leu (NM_000086.2, NM_001286104.2); c.-141A>C (NM_001286105.2); c.-83A>C (NM_001286109.2, NM_001286110.2); short protein forms M1L.
Identifiers: ClinVar variation 56257 (VCV000056257.8), dbSNP rs386833708, ClinGen allele CA263637.
Genomic context (GRCh38, chr16:28,491,759, plus strand): 5'-GGCGGGAATACTCACCCTCGGAATCCGAAAAGCGCCGCCGCGAGCCTGCACAGCCTCCCA[T>G]CGCATCAAGTTCAGGTCCCCCGAGGGTCCAGGGTCATAGAGTGTCCAAAGGGGGCTCCCA-3'
Protein context (NP_001035897.1, residues 1-11): [Met1Leu]GGCAGSRRRF

ClinVar aggregate classification (germline): Pathogenic. Review status: criteria provided, single submitter (1 of 4 stars). 2 submissions from 2 submitters: Pathogenic (1). 1 of the submissions does not count toward it. Last evaluated 2022-09-20.

Conditions:
Neuronal ceroid lipofuscinosis. Also called: Neuronal Ceroid Lipofuscinoses. Identifiers: Orphanet 216, Orphanet 79263, MedGen C0027877, MONDO:0016295. Disease mechanism: loss of function.
Neuronal ceroid lipofuscinosis 3 (CLN3). Identifiers: Orphanet 228346, MedGen C0751383, MONDO:0008767, OMIM 204200.

Allele frequency attached by ClinVar (database versions not stated): TOPMed below 0.00001.

Submissions (2):

Labcorp Genetics (formerly Invitae), Labcorp
Classification: Pathogenic for Neuronal ceroid lipofuscinosis. Last evaluated: 2022-09-20. Review status: criteria provided, single submitter. Criteria: Invitae Variant Classification Sherloc (09022015). Collection method: clinical testing. Allele origin: germline.
Comment: For these reasons, this variant has been classified as Pathogenic. ClinVar contains an entry for this variant (Variation ID: 56257). Disruption of the initiator codon has been observed in individuals with neuronal ceroid lipofuscinosis and may be associated with a milder phenotype (PMID: 21990111, 32154056). This variant is not present in population databases (gnomAD no frequency). This sequence change affects the initiator methionine of the CLN3 mRNA. The next in-frame methionine is located at codon 55.

Juha Muilu Group; Institute for Molecular Medicine Finland (FIMM)
Classification: Likely pathogenic for Juvenile neuronal ceroid lipofuscinosis. Review status: no assertion criteria provided. Collection method: not provided. Allele origin: unknown. Not counted in ClinVar's aggregate classification.
Comment: FinDis database variant: This variant was not found or characterized by our laboratory, data were collected from public sources: see reference
ClinVar note: Converted during submission from probable-pathogenic to Likely pathogenic.

Literature cited by the submitters: PubMed 21990111 (cited by Labcorp Genetics (formerly Invitae), Labcorp); PubMed 32154056 (cited by Labcorp Genetics (formerly Invitae), Labcorp).